The following is an entry in ClinVar:

NM_182961.4(SYNE1):c.12734G>A (p.Cys4245Tyr)

Gene: SYNE1 (spectrin repeat containing nuclear envelope protein 1; minus strand). Cytogenetic location: 6q25.2.
Variant type: single nucleotide variant.
Coding change: c.12734G>A on transcript NM_182961.4 (MANE Select); coding-DNA position 12734, G replaced by A.
Protein change: p.Cys4245Tyr; replaces cysteine 4245 with tyrosine.
Molecular consequence: missense variant.
Genome position (GRCh38, 1-based): chr6:152,334,068, C>T on the plus strand (G>A on the coding strand, the complement: SYNE1 is on the minus strand). VCF-style: chr6-152334068-C-T. GRCh37 (hg19) VCF-style: chr6-152655203-C-T.
Other names: c.12521G>A, p.Cys4174Tyr (NM_033071.5); short protein forms C4245Y, C4174Y.
Identifiers: ClinVar variation 656885 (VCV000656885.2), dbSNP rs1590300572, ClinGen allele CA366105738.

ClinVar aggregate classification (germline): Uncertain significance (1 of 4 stars; one submission).

Conditions:
Emery-Dreifuss muscular dystrophy 4, autosomal dominant (EDMD4). Also called: EMERY-DREIFUSS MUSCULAR DYSTROPHY 4 WITH VARIABLE FEATURES. Identifiers: Orphanet 261, MedGen C2751807, MONDO:0013071, OMIM 612998.
Autosomal recessive ataxia, Beauce type. Also called: Spinocerebellar ataxia, autosomal recessive 8; ATAXIA, RECESSIVE, OF BEAUCE; SYNE1-Related Autosomal Recessive Cerebellar Ataxia; SYNE1 Deficiency. Identifiers: Orphanet 88644, MedGen C1853116, MONDO:0012549, OMIM 610743.

Submission:

Labcorp Genetics (formerly Invitae), Labcorp
Classification: Uncertain significance for Emery-Dreifuss muscular dystrophy 4, autosomal dominant; Autosomal recessive ataxia, Beauce type. Last evaluated: 2024-07-09. Review status: criteria provided, single submitter. Criteria: Invitae Variant Classification Sherloc (09022015). Collection method: clinical testing. Allele origin: germline.
Comment: This sequence change replaces cysteine, which is neutral and slightly polar, with tyrosine, which is neutral and polar, at codon 4174 of the SYNE1 protein (p.Cys4174Tyr). This variant is not present in population databases (gnomAD no frequency). This variant has not been reported in the literature in individuals affected with SYNE1-related conditions. ClinVar contains an entry for this variant (Variation ID: 656885). An algorithm developed to predict the effect of missense changes on protein structure and function (PolyPhen-2) suggests that this variant¬¨‚Ä†is likely to be tolerated. In summary, the available evidence is currently insufficient to determine the role of this variant in disease. Therefore, it has been classified as a Variant of Uncertain Significance.